The following is an entry in ClinVar:

ClinVar aggregate classification (germline): Uncertain significance (1 of 4 stars; one submission).

Submission:

GeneDx
Classification: Uncertain significance. Last evaluated: 2025-03-09. Review status: criteria provided, single submitter. Criteria: GeneDx Variant Classification Process June 2021. Collection method: clinical testing. Allele origin: germline. Affected: yes.
Comment: Not observed at significant frequency in large population cohorts (gnomAD); In silico analysis indicates that this missense variant does not alter protein structure/function; Has not been previously published as pathogenic or benign to our knowledge

NM_001040167.2(LFNG):c.163C>A (p.Pro55Thr)

Gene: LFNG (LFNG O-fucosylpeptide 3-beta-N-acetylglucosaminyltransferase; plus strand). Cytogenetic location: 7p22.3.
Variant type: single nucleotide variant.
Coding change: c.163C>A on transcript NM_001040167.2 (MANE Select); coding-DNA position 163, C replaced by A.
Protein change: p.Pro55Thr; replaces proline 55 with threonine.
Molecular consequence: missense variant. On other transcripts: intron variant (2).
Genome position (GRCh38, 1-based): chr7:2,520,024, C>A. VCF-style: chr7-2520024-C-A. GRCh37 (hg19) VCF-style: chr7-2559658-C-A.
Other names: c.163C>A, p.Pro55Thr (NM_001040168.2); c.220-4671C>A (NM_001166355.2); c.45+1426C>A (NM_002304.3); short protein forms P55T.
Identifiers: ClinVar variation 4083100 (VCV004083100.1).